The following is an entry in ClinVar:

ClinVar aggregate classification (germline): Likely benign. Review status: criteria provided, multiple submitters, no conflicts (2 of 4 stars). 3 submissions from 3 submitters: Likely benign (2). 1 of the submissions does not count toward it. Last evaluated 2025-10-18.

Conditions:
FAT1-related disorder. Also called: FAT1-related condition.

Allele frequency attached by ClinVar (database versions not stated): ExAC 0.00008; TOPMed 0.00013; gnomAD 0.00014; gnomAD exomes 0.00016; ESP Exome Variant Server 0.00017.
gnomAD v4.1: 244 of 1,589,522 alleles (0.015%); highest among the groups gnomAD compares: African/African-American, 0.024%; 1 homozygote.

Submissions (3):

Labcorp Genetics (formerly Invitae), Labcorp
Classification: Likely benign. Last evaluated: 2025-10-18. Review status: criteria provided, single submitter. Criteria: Invitae Variant Classification Sherloc (09022015). Collection method: clinical testing. Allele origin: germline.

CeGaT Center for Human Genetics Tuebingen
Classification: Likely benign. Last evaluated: 2022-07-01. Review status: criteria provided, single submitter. Criteria: CeGaT Center For Human Genetics Tuebingen Variant Classification Criteria Version 2. Collection method: clinical testing. Allele origin: germline. Affected: yes. Observed: 1 variant allele.
Comment: FAT1: BP4

PreventionGenetics, part of Exact Sciences
Classification: Likely benign for FAT1-related condition. Last evaluated: 2022-12-19. Review status: no assertion criteria provided. Collection method: clinical testing. Allele origin: germline. Not counted in ClinVar's aggregate classification.
Comment: This variant is classified as likely benign based on ACMG/AMP sequence variant interpretation guidelines (Richards et al. 2015 PMID: 25741868, with internal and published modifications).

NM_005245.4(FAT1):c.12104-7G>A

Gene: FAT1 (FAT atypical cadherin 1; minus strand). Cytogenetic location: 4q35.2.
Variant type: single nucleotide variant.
Coding change: c.12104-7G>A on transcript NM_005245.4 (MANE Select); 7 bases into the intron before coding-DNA position 12104, G replaced by A.
Molecular consequence: intron variant.
Genome position (GRCh38, 1-based): chr4:186,598,132, C>T on the plus strand (G>A on the coding strand, the complement: FAT1 is on the minus strand). VCF-style: chr4-186598132-C-T. GRCh37 (hg19) VCF-style: chr4-187519286-C-T.
Other names: c.12104-7G>A (NM_005245.3).
Identifiers: ClinVar variation 2183114 (VCV002183114.29), dbSNP rs369005392, ClinGen allele CA3164935.